The following is an entry in ClinVar:

NM_000174.5(GP9):c.125G>T (p.Gly42Val)

Gene: GP9 (glycoprotein IX platelet; plus strand). Cytogenetic location: 3q21.3.
Variant type: single nucleotide variant.
Coding change: c.125G>T on transcript NM_000174.5 (MANE Select); coding-DNA position 125, G replaced by T.
Protein change: p.Gly42Val; replaces glycine 42 with valine.
Molecular consequence: missense variant.
Genome position (GRCh38, 1-based): chr3:129,061,864, G>T. VCF-style: chr3-129061864-G-T. GRCh37 (hg19) VCF-style: chr3-128780707-G-T.
Other names: short protein forms G42V.
Identifiers: ClinVar variation 2893294 (VCV002893294.4), dbSNP rs962839753, ClinGen allele CA354446951.

ClinVar aggregate classification (germline): Uncertain significance. Review status: criteria provided, multiple submitters, no conflicts (2 of 4 stars). 2 submissions from 2 submitters: Uncertain significance (2). Last evaluated 2025-02-25.

Conditions:
GP9-related disorder. Also called: GP9-related condition.

Allele frequency attached by ClinVar (database versions not stated): TOPMed below 0.00001; gnomAD 0.00001.
gnomAD v4.1: 10 of 1,612,660 alleles (0.00062%); highest among the groups gnomAD compares: Non-Finnish European, 0.00085%; no homozygotes.

Submissions (2):

PreventionGenetics, part of Exact Sciences
Classification: Uncertain significance for GP9-related condition. Last evaluated: 2025-02-25. Review status: criteria provided, single submitter. Criteria: ACMG Guidelines, 2015. Collection method: clinical testing. Allele origin: germline.
Comment: The GP9 c.125G>T variant is predicted to result in the amino acid substitution p.Gly42Val. To our knowledge, this variant has not been reported in the literature. This variant is reported in 0.0065% of alleles in individuals of European (Non-Finnish) descent in gnomAD. At this time, the clinical significance of this variant is uncertain due to the absence of conclusive functional and genetic evidence.

Labcorp Genetics (formerly Invitae), Labcorp
Classification: Uncertain significance. Last evaluated: 2023-11-21. Review status: criteria provided, single submitter. Criteria: Invitae Variant Classification Sherloc (09022015). Collection method: clinical testing. Allele origin: germline.
Comment: This sequence change replaces glycine, which is neutral and non-polar, with valine, which is neutral and non-polar, at codon 42 of the GP9 protein (p.Gly42Val). This variant is present in population databases (no rsID available, gnomAD 0.007%). This variant has not been reported in the literature in individuals affected with GP9-related conditions. An algorithm developed to predict the effect of missense changes on protein structure and function (PolyPhen-2) suggests that this variant is likely to be disruptive. In summary, the available evidence is currently insufficient to determine the role of this variant in disease. Therefore, it has been classified as a Variant of Uncertain Significance.